The following is an entry in ClinVar:

ClinVar aggregate classification (germline): Pathogenic (1 of 4 stars; one submission).

Submission:

Labcorp Genetics (formerly Invitae), Labcorp
Classification: Pathogenic. Last evaluated: 2023-09-08. Review status: criteria provided, single submitter. Criteria: Invitae Variant Classification Sherloc (09022015). Collection method: clinical testing. Allele origin: germline.
Comment: For these reasons, this variant has been classified as Pathogenic. ClinVar contains an entry for this variant (Variation ID: 1405188). This variant has not been reported in the literature in individuals affected with EIF2B5-related conditions. This variant is not present in population databases (gnomAD no frequency). This sequence change creates a premature translational stop signal (p.Glu530Aspfs*29) in the EIF2B5 gene. It is expected to result in an absent or disrupted protein product. Loss-of-function variants in EIF2B5 are known to be pathogenic (PMID: 11704758, 15060152, 21307862).

Literature cited by the submitters: PubMed 11704758; PubMed 15060152; PubMed 21307862.

NM_003907.3(EIF2B5):c.1590del (p.Glu530fs)

Gene: EIF2B5 (eukaryotic translation initiation factor 2B subunit epsilon; plus strand). Cytogenetic location: 3q27.1.
Variant type: Deletion.
Coding change: c.1590del on transcript NM_003907.3 (MANE Select); coding-DNA position 1590, one base deleted (G; older notation c.1590delG).
Protein change: p.Glu530fs; shifts the reading frame from glutamic acid 530.
Molecular consequence: frameshift variant.
Genome position (GRCh38, 1-based): chr3:184,142,822, G deleted. VCF-style (leftmost placement, unchanged base first): chr3-184142821-AG-A. GRCh37 (hg19) VCF-style: chr3-183860609-AG-A.
Other names: short protein forms E530fs.
Identifiers: ClinVar variation 1405188 (VCV001405188.6), dbSNP rs2109010897, ClinGen allele CA2573136750.